The following is an entry in ClinVar:

NM_005515.4(MNX1):c.206C>T (p.Pro69Leu)

Gene: MNX1 (motor neuron and pancreas homeobox 1; minus strand). Cytogenetic location: 7q36.3.
Variant type: single nucleotide variant.
Coding change: c.206C>T on transcript NM_005515.4 (MANE Select); coding-DNA position 206, C replaced by T.
Protein change: p.Pro69Leu; replaces proline 69 with leucine.
Molecular consequence: missense variant.
Genome position (GRCh38, 1-based): chr7:157,010,145, G>A on the plus strand (C>T on the coding strand, the complement: MNX1 is on the minus strand). VCF-style: chr7-157010145-G-A. GRCh37 (hg19) VCF-style: chr7-156802839-G-A.
Other names: short protein forms P69L.
Identifiers: ClinVar variation 2726250 (VCV002726250.3), dbSNP rs1014068387, ClinGen allele CA169871008.

ClinVar aggregate classification (germline): Uncertain significance (1 of 4 stars; one submission).

Allele frequency attached by ClinVar (database versions not stated): gnomAD exomes below 0.00001; gnomAD 0.00008; TOPMed 0.00011.
gnomAD v4.1: 16 of 1,068,544 alleles (0.0015%); highest among the groups gnomAD compares: African/African-American, 0.024%; no homozygotes.

Submission:

Labcorp Genetics (formerly Invitae), Labcorp
Classification: Uncertain significance. Last evaluated: 2024-12-23. Review status: criteria provided, single submitter. Criteria: Invitae Variant Classification Sherloc (09022015). Collection method: clinical testing. Allele origin: germline.
Comment: This sequence change replaces proline, which is neutral and non-polar, with leucine, which is neutral and non-polar, at codon 69 of the MNX1 protein (p.Pro69Leu). This variant is present in population databases (no rsID available, gnomAD 0.02%). This variant has not been reported in the literature in individuals affected with MNX1-related conditions. ClinVar contains an entry for this variant (Variation ID: 2726250). Invitae Evidence Modeling of protein sequence and biophysical properties (such as structural, functional, and spatial information, amino acid conservation, physicochemical variation, residue mobility, and thermodynamic stability) indicates that this missense variant is not expected to disrupt MNX1 protein function with a negative predictive value of 80%. In summary, the available evidence is currently insufficient to determine the role of this variant in disease. Therefore, it has been classified as a Variant of Uncertain Significance.